The following is an entry in ClinVar:

NM_170707.4(LMNA):c.1622G>T (p.Arg541Leu)

Gene: LMNA (lamin A/C; plus strand). Cytogenetic location: 1q22.
Variant type: single nucleotide variant.
Coding change: c.1622G>T on transcript NM_170707.4 (MANE Select); coding-DNA position 1622, G replaced by T.
Protein change: p.Arg541Leu; replaces arginine 541 with leucine.
Molecular consequence: missense variant. On other transcripts: intron variant (1).
Genome position (GRCh38, 1-based): chr1:156,137,667, G>T. VCF-style: chr1-156137667-G-T. GRCh37 (hg19) VCF-style: chr1-156107458-G-T.
Other names: c.1286G>T, p.Arg429Leu (NM_001257374.3, NM_001406989.1, NM_001406998.1); c.1379G>T, p.Arg460Leu (NM_001282624.2, NM_001406986.1, NM_001406987.1); c.1622G>T, p.Arg541Leu (NM_001282625.2, NM_001282626.2, NM_001406983.1 and 5 more transcripts); c.1325G>T, p.Arg442Leu (NM_001406988.1); c.1064G>T, p.Arg355Leu (NM_001406990.1, NM_001406993.1, NM_001406995.1 and 4 more transcripts); c.998G>T, p.Arg333Leu (NM_001406994.1, NM_001406999.1, NM_001407000.1 and 1 more transcripts); c.1608+435G>T (NM_170708.4); short protein forms R333L, R355L, R429L, R442L, R460L, R541L.
Identifiers: ClinVar variation 3895004 (VCV003895004.1).
Genomic context (GRCh38, chr1:156,137,667, plus strand): 5'-CCCTTCCCTGGCCCTGACCCTTGGACCTGGTTCCATGTCCCCACCAGGAAGTGGCCATGC[G>T]CAAGCTGGTGCGCTCAGTGACTGTGGTTGAGGACGACGAGGATGAGGATGGAGATGACCT-3'
Protein context (NP_733821.1, residues 531-551): INSTGEEVAM[Arg541Leu]KLVRSVTVVE

ClinVar aggregate classification (germline): Likely pathogenic (1 of 4 stars; one submission).

Conditions:
Cardiovascular phenotype. Identifiers: MedGen CN230736.

Submission:

Molecular Diagnostic Laboratory for Inherited Cardiovascular Disease, Montreal Heart Institute
Classification: Likely pathogenic for Cardiovascular phenotype. Last evaluated: 2024-11-18. Review status: criteria provided, single submitter. Criteria: ACMG Guidelines, 2015. Collection method: clinical testing. Allele origin: germline. Affected: yes.
Comment: PM2, PM5, PP2, PP3